The following is an entry in ClinVar:

NM_001378454.1(ALMS1):c.10213+12G>A

Gene: ALMS1 (ALMS1 centrosome and basal body associated protein; plus strand). Cytogenetic location: 2p13.1.
Variant type: single nucleotide variant.
Coding change: c.10213+12G>A on transcript NM_001378454.1 (MANE Select); 12 bases into the intron after coding-DNA position 10213, G replaced by A.
Molecular consequence: intron variant.
Genome position (GRCh38, 1-based): chr2:73,557,366, G>A. VCF-style: chr2-73557366-G-A. GRCh37 (hg19) VCF-style: chr2-73784493-G-A.
Other names: c.10213+12G>A (NM_015120.4); c.10216+12G>A (NM_015120.4).
Identifiers: ClinVar variation 513347 (VCV000513347.11), dbSNP rs527508238, ClinGen allele CA1714915.

ClinVar aggregate classification (germline): Benign/Likely benign. Review status: criteria provided, multiple submitters, no conflicts (2 of 4 stars). 4 submissions from 4 submitters: Benign (2); Likely benign (2). Last evaluated 2026-01-28.

Conditions:
Alstrom syndrome (ALMS). Identifiers: Orphanet 64, MedGen C0268425, MONDO:0008763, OMIM 203800.

Allele frequency attached by ClinVar (database versions not stated): gnomAD below 0.00001 and 0.00015; TOPMed 0.00004; gnomAD exomes 0.00034 and 0.00067; ExAC 0.00085; 1000 Genomes Project 30x 0.00109; 1000 Genomes Project 0.00120.
gnomAD v4.1: 525 of 1,613,896 alleles (0.033%); highest among the groups gnomAD compares: South Asian, 0.55%; 6 homozygotes.

Submissions (4):

Labcorp Genetics (formerly Invitae), Labcorp
Classification: Benign for Alstrom syndrome. Last evaluated: 2026-01-28. Review status: criteria provided, single submitter. Criteria: Invitae Variant Classification Sherloc (09022015). Collection method: clinical testing. Allele origin: germline.

Blueprint Genetics
Classification: Likely benign. Last evaluated: 2024-11-06. Review status: criteria provided, single submitter. Criteria: ACMG Guidelines, 2015. Collection method: clinical testing. Allele origin: germline.

Women's Health and Genetics/Laboratory Corporation of America, LabCorp
Classification: Benign. Last evaluated: 2021-04-26. Review status: criteria provided, single submitter. Criteria: LabCorp Variant Classification Summary - May 2015. Collection method: clinical testing. Allele origin: germline.
Comment: Variant summary: ALMS1 c.10210+12G>A (also known as c.10216+12G>A, Refseq) alters a non-conserved nucleotide located close to a canonical splice site and therefore could affect mRNA splicing, leading to a significantly altered protein sequence. The variant allele was found at a frequency of 0.00067 in 248928 control chromosomes, predominantly at a frequency of 0.0054 within the South Asian subpopulation in the gnomAD database. The observed variant frequency within South Asian control individuals in the gnomAD database is approximately 3 fold of the estimated maximal expected allele frequency for a pathogenic variant in ALMS1 causing Alstrom Syndrome With Dilated Cardiomyopathy phenotype (0.0018), suggesting that the variant is a benign polymorphism found primarily in populations of South Asian origin. To our knowledge, no occurrence of c.10210+12G>A in individuals affected with Alstrom Syndrome With Dilated Cardiomyopathy and no experimental evidence demonstrating its impact on protein function have been reported. One clinical diagnostic laboratory has submitted clinical-significance assessments for this variant to ClinVar after 2014 without evidence for independent evaluation and classified the variant as likely benign. Based on the evidence outlined above, the variant was classified as benign.

GeneDx
Classification: Likely benign. Last evaluated: 2017-11-17. Review status: criteria provided, single submitter. Criteria: GeneDx Variant Classification (06012015). Collection method: clinical testing. Allele origin: germline. Affected: yes.
Comment: This variant is considered likely benign or benign based on one or more of the following criteria: it is a conservative change, it occurs at a poorly conserved position in the protein, it is predicted to be benign by multiple in silico algorithms, and/or has population frequency not consistent with disease.